The following is an entry in ClinVar:

NM_016441.3(CRIM1):c.1997_1998del (p.Phe666fs)

Gene: CRIM1 (cysteine rich transmembrane BMP regulator 1). Cytogenetic location: 2p22.2.
Variant type: Deletion.
Coding change: c.1997_1998del on transcript NM_016441.3 (MANE Select); coding-DNA positions 1997 to 1998, 2 bases deleted.
Protein change: p.Phe666fs; shifts the reading frame from phenylalanine 666.
Molecular consequence: frameshift variant.
Genome position: GRCh38 VCF-style: chr2-36517331-CTT-C. GRCh37 (hg19) VCF-style: chr2-36744474-CTT-C.
Other names: short protein forms F666fs.
Identifiers: ClinVar variation 2650824 (VCV002650824.24), dbSNP rs2465998955, ClinGen allele CA2695200447.

ClinVar aggregate classification (germline): Uncertain significance (1 of 4 stars; one submission).

Submission:

CeGaT Center for Human Genetics Tuebingen
Classification: Uncertain significance. Last evaluated: 2022-04-01. Review status: criteria provided, single submitter. Criteria: CeGaT Center For Human Genetics Tuebingen Variant Classification Criteria Version 2. Collection method: clinical testing. Allele origin: germline. Affected: yes. Observed: 1 variant allele.
Comment: CRIM1: PM2